The following is an entry in ClinVar:

NM_004415.4(DSP):c.3126del (p.Arg1042fs)

Gene: DSP (desmoplakin; plus strand). Cytogenetic location: 6p24.3.
Variant type: Deletion.
Coding change: c.3126del on transcript NM_004415.4 (MANE Select); coding-DNA position 3126, one base deleted (A; older notation c.3126delA).
Protein change: p.Arg1042fs; shifts the reading frame from arginine 1042.
Molecular consequence: frameshift variant.
Genome position (GRCh38, 1-based): chr6:7,579,316, A deleted. VCF-style (leftmost placement, unchanged base first): chr6-7579315-GA-G. GRCh37 (hg19) VCF-style: chr6-7579548-GA-G.
Other names: c.3126del, p.Arg1042fs (NM_001008844.3, NM_001319034.2); short protein forms R1042fs.
Identifiers: ClinVar variation 2924529 (VCV002924529.3), dbSNP rs2533922279, ClinGen allele CA2740094252.

ClinVar aggregate classification (germline): Pathogenic (1 of 4 stars; one submission).

Conditions:
Arrhythmogenic cardiomyopathy with wooly hair and keratoderma. Also called: Dilated cardiomyopathy with woolly hair and keratoderma; Arrhythmogenic cardiomyopathy with woolly hair and keratoderma; PALMOPLANTAR KERATODERMA WITH LEFT VENTRICULAR CARDIOMYOPATHY AND WOOLLY HAIR; Carvajal syndrome. Identifiers: Orphanet 65282, MedGen C1854063, MONDO:0011581, OMIM 605676.
Arrhythmogenic right ventricular dysplasia 8 (ARVD8). Also called: Arrhythmogenic Right Ventricular Dysplasia/Cardiomyopathy 8; ARRHYTHMOGENIC RIGHT VENTRICULAR DYSPLASIA, FAMILIAL, 8; ARRHYTHMOGENIC RIGHT VENTRICULAR CARDIOMYOPATHY 8. Identifiers: MedGen C1843896, MONDO:0011831, OMIM 607450.

Submission:

Labcorp Genetics (formerly Invitae), Labcorp
Classification: Pathogenic for Arrhythmogenic cardiomyopathy with wooly hair and keratoderma; Arrhythmogenic right ventricular dysplasia 8. Last evaluated: 2022-08-20. Review status: criteria provided, single submitter. Criteria: Invitae Variant Classification Sherloc (09022015). Collection method: clinical testing. Allele origin: germline.
Comment: This variant has not been reported in the literature in individuals affected with DSP-related conditions. For these reasons, this variant has been classified as Pathogenic. This variant is not present in population databases (gnomAD no frequency). This sequence change creates a premature translational stop signal (p.Arg1042Serfs*41) in the DSP gene. It is expected to result in an absent or disrupted protein product. Loss-of-function variants in DSP are known to be pathogenic (PMID: 20716751, 24503780, 25227139).

Literature cited by the submitters: PubMed 20716751; PubMed 24503780; PubMed 25227139.